The following is an entry in ClinVar:

NM_023110.3(FGFR1):c.1431-5G>A

Gene: FGFR1 (fibroblast growth factor receptor 1; minus strand). Cytogenetic location: 8p11.23.
Variant type: single nucleotide variant.
Coding change: c.1431-5G>A on transcript NM_023110.3 (MANE Select); 5 bases into the intron before coding-DNA position 1431, G replaced by A.
Molecular consequence: intron variant.
Genome position (GRCh38, 1-based): chr8:38,417,996, C>T on the plus strand (G>A on the coding strand, the complement: FGFR1 is on the minus strand). VCF-style: chr8-38417996-C-T. GRCh37 (hg19) VCF-style: chr8-38275514-C-T.
Other names: c.1152-5G>A (NM_001354368.2); c.1158-5G>A (NM_001354370.2, NM_023106.3); c.1164-5G>A (NM_023105.3, NM_001174066.2); c.1425-5G>A (NM_001354367.2, NM_015850.4, NM_001174063.2 and 1 more transcripts); c.1401-5G>A (NM_001174064.2); c.1419-5G>A (NM_001354369.2); c.1524-5G>A (NM_001174067.2).
Identifiers: ClinVar variation 700452 (VCV000700452.25), dbSNP rs201773631, ClinGen allele CA4718370.
Genomic context (GRCh38, chr8:38,417,996, plus strand): 5'-CTGCCAACACCACCTGCCCAAAGCAGCCCTCTCCCAGGGGTTTGCCTAAGACCAGTCTTT[C>T]GGGGGAAACAGAGAGTGGCATAAGTTGGGGCTGGTGAAGTTCAAACCTTGAGAGGCACCC-3'

ClinVar aggregate classification (germline): Conflicting classifications of pathogenicity. Review status: criteria provided, conflicting classifications (1 of 4 stars). 10 submissions from 7 submitters: Uncertain significance (2); Likely benign (8). Last evaluated 2025-12-22.

Conditions:
Pfeiffer syndrome (ACS5). Also called: ACS V. Identifiers: Orphanet 710, MedGen C0220658, MONDO:0007043, OMIM 101600.
Hypogonadotropic hypogonadism 2 with or without anosmia (HH2). Also called: FGFR1-Related GnRH Deficiency (Kallmann Syndrome 2); HYPOGONADOTROPIC HYPOGONADISM 2 WITHOUT ANOSMIA; HYPOGONADOTROPIC HYPOGONADISM 2 WITH OR WITHOUT ANOSMIA, SUSCEPTIBILITY TO; HYPOGONADOTROPIC HYPOGONADISM 2 WITHOUT ANOSMIA, SUSCEPTIBILITY TO. Identifiers: Orphanet 478, MedGen C1563720, MONDO:0007844, OMIM 147950. Disease mechanism: loss of function.
Inborn genetic diseases. Identifiers: MedGen C0950123, MeSH D030342.
Trigonocephaly 1 (TRIGNO1). Identifiers: Orphanet 3366, MedGen C0432122, MONDO:0008603, OMIM 190440.
Osteoglophonic dysplasia (OGD). Also called: Osteoglophonic dwarfism. Identifiers: Orphanet 2645, MedGen C0432283, MONDO:0008150, OMIM 166250.
FGFR1-related disorder. Also called: FGFR1-related disorders; FGFR1-related condition. Identifiers: MedGen CN380097.
Craniosynostosis syndrome. Also called: Craniosynostosis. Identifiers: Orphanet 1531, MedGen C0010278, MeSH D003398, MONDO:0015469, HP:0001363.

Allele frequency attached by ClinVar (database versions not stated): ExAC 0.00012; gnomAD exomes 0.00013 and 0.00015; gnomAD 0.00033; TOPMed 0.00047.
gnomAD v4.1: 243 of 1,614,016 alleles (0.015%); highest among the groups gnomAD compares: Admixed American, 0.077%; no homozygotes.

Submissions (10):

Labcorp Genetics (formerly Invitae), Labcorp
Classification: Likely benign for Pfeiffer syndrome; Hypogonadotropic hypogonadism 2 with or without anosmia. Last evaluated: 2025-12-22. Review status: criteria provided, single submitter. Criteria: Invitae Variant Classification Sherloc (09022015). Collection method: clinical testing. Allele origin: germline.

PreventionGenetics, part of Exact Sciences
Classification: Likely benign for FGFR1-related condition. Last evaluated: 2025-06-24. Review status: criteria provided, single submitter. Criteria: ACMG Guidelines, 2015. Collection method: clinical testing. Allele origin: germline.
Comment: This variant is classified as likely benign based on ACMG/AMP sequence variant interpretation guidelines (Richards et al. 2015 PMID: 25741868, with internal and published modifications).

Ambry Genetics
Classification: Likely benign for Inborn genetic diseases. Last evaluated: 2025-02-11. Review status: criteria provided, single submitter. Criteria: Ambry Variant Classification Scheme 2023. Collection method: clinical testing. Allele origin: germline.

Blueprint Genetics
Classification: Likely benign. Last evaluated: 2023-11-23. Review status: criteria provided, single submitter. Criteria: ACMG Guidelines, 2015. Collection method: clinical testing. Allele origin: germline.

GeneDx
Classification: Likely benign. Last evaluated: 2020-02-18. Review status: criteria provided, single submitter. Criteria: GeneDx Variant Classification Process June 2021. Collection method: clinical testing. Allele origin: germline. Affected: yes.

ARUP Laboratories, Molecular Genetics and Genomics, ARUP Laboratories
Classification: Likely benign. Last evaluated: 2019-11-13. Review status: criteria provided, single submitter. Criteria: ARUP Molecular Germline Variant Investigation Process. Collection method: clinical testing. Allele origin: germline.

Illumina Laboratory Services, Illumina
Classification: Likely benign for Trigonocephaly 1. Last evaluated: 2018-01-12. Review status: criteria provided, single submitter. Criteria: ICSL Variant Classification Criteria 13 December 2019. Collection method: clinical testing. Allele origin: germline.
Comment: This variant was observed in the ICSL laboratory as part of a predisposition screen in an ostensibly healthy population. It had not been previously curated by ICSL or reported in the Human Gene Mutation Database (HGMD: prior to June 1st, 2018), and was therefore a candidate for classification through an automated scoring system. Utilizing variant allele frequency, disease prevalence and penetrance estimates, and inheritance mode, an automated score was calculated to assess if this variant is too frequent to cause the disease. Based on the score and internal cut-off values, a variant classified as likely benign is not then subjected to further curation. The score for this variant resulted in a classification of likely benign for this disease.

Illumina Laboratory Services, Illumina
Classification: Uncertain significance for Hypogonadotropic hypogonadism 2 with or without anosmia. Last evaluated: 2018-01-12. Review status: criteria provided, single submitter. Criteria: ICSL Variant Classification Criteria 13 December 2019. Collection method: clinical testing. Allele origin: germline.

Illumina Laboratory Services, Illumina
Classification: Likely benign for Osteoglophonic dysplasia. Last evaluated: 2018-01-12. Review status: criteria provided, single submitter. Criteria: ICSL Variant Classification Criteria 13 December 2019. Collection method: clinical testing. Allele origin: germline.
Comment: the same text as in the submission from Illumina Laboratory Services, Illumina above.

Illumina Laboratory Services, Illumina
Classification: Uncertain significance for Craniosynostosis. Last evaluated: 2018-01-12. Review status: criteria provided, single submitter. Criteria: ICSL Variant Classification Criteria 13 December 2019. Collection method: clinical testing. Allele origin: germline.